The following is an entry in ClinVar:

NM_181882.3(PRX):c.1166C>G (p.Pro389Arg)

Gene: PRX (periaxin; minus strand). Cytogenetic location: 19q13.2.
Variant type: single nucleotide variant.
Coding change: c.1166C>G on transcript NM_181882.3 (MANE Select); coding-DNA position 1166, C replaced by G.
Protein change: p.Pro389Arg; replaces proline 389 with arginine.
Molecular consequence: missense variant. On other transcripts: 3 prime UTR variant (1).
Genome position (GRCh38, 1-based): chr19:40,397,186, G>C on the plus strand (C>G on the coding strand, the complement: PRX is on the minus strand). VCF-style: chr19-40397186-G-C. GRCh37 (hg19) VCF-style: chr19-40903093-G-C.
Other names: c.*1371C>G (NM_020956.2); short protein forms P389R.
Identifiers: ClinVar variation 1037679 (VCV001037679.6), dbSNP rs377089486, ClinGen allele CA308421072.

ClinVar aggregate classification (germline): Uncertain significance (1 of 4 stars; one submission).

Conditions:
Charcot-Marie-Tooth disease type 4. Also called: Charcot-Marie-Tooth, Type 4; Charcot-Marie-Tooth disease, type IV. Identifiers: Orphanet 64749, MedGen C4082197, MONDO:0018995.

Allele frequency attached by ClinVar (database versions not stated): gnomAD 0.00002; TOPMed 0.00002; ESP Exome Variant Server 0.00008.
gnomAD v4.1: 5 of 1,613,818 alleles (0.00031%); highest among the groups gnomAD compares: African/African-American, 0.0053%; no homozygotes.

Submission:

Labcorp Genetics (formerly Invitae), Labcorp
Classification: Uncertain significance for Charcot-Marie-Tooth disease type 4. Last evaluated: 2022-06-16. Review status: criteria provided, single submitter. Criteria: Invitae Variant Classification Sherloc (09022015). Collection method: clinical testing. Allele origin: germline.
Comment: This sequence change replaces proline, which is neutral and non-polar, with arginine, which is basic and polar, at codon 389 of the PRX protein (p.Pro389Arg). This variant is present in population databases (rs377089486, gnomAD 0.004%). This variant has not been reported in the literature in individuals affected with PRX-related conditions. ClinVar contains an entry for this variant (Variation ID: 1037679). Algorithms developed to predict the effect of missense changes on protein structure and function are either unavailable or do not agree on the potential impact of this missense change (SIFT: "Deleterious"; PolyPhen-2: "Possibly Damaging"; Align-GVGD: "Class C0"). In summary, the available evidence is currently insufficient to determine the role of this variant in disease. Therefore, it has been classified as a Variant of Uncertain Significance.